The following is an entry in ClinVar:

NM_000218.3(KCNQ1):c.1291dup (p.Val431fs)

Gene: KCNQ1 (potassium voltage-gated channel subfamily Q member 1; plus strand). Cytogenetic location: 11p15.5.
Variant type: Duplication.
Coding change: c.1291dup on transcript NM_000218.3 (MANE Select); coding-DNA position 1291, one base duplicated (G; older notation c.1291dupG).
Protein change: p.Val431fs; shifts the reading frame from valine 431.
Molecular consequence: frameshift variant.
Genome position (GRCh38, 1-based): chr11:2,588,752, G duplicated; the last of 4 consecutive G bases (chr11:2,588,749-2,588,752); duplicating any one gives the same sequence. VCF-style (leftmost placement, unchanged base first): chr11-2588748-T-TG. GRCh37 (hg19) VCF-style: chr11-2609978-T-TG.
Other names: c.1195dup, p.Val399Glyfs (NM_001406836.1); c.1021dup, p.Val341Glyfs (NM_001406837.1); c.751dup, p.Val251Glyfs (NM_001406838.1); c.910dup, p.Val304Glyfs (NM_181798.2); short protein forms V431fs, V304fs.
Identifiers: ClinVar variation 52975 (VCV000052975.7), dbSNP rs397508085, ClinGen allele CA005571.

ClinVar aggregate classification (germline): Pathogenic. Review status: criteria provided, single submitter (1 of 4 stars). 2 submissions from 2 submitters: Pathogenic (1). 1 of the submissions does not count toward it. Last evaluated 2018-12-04.

Conditions:
Long QT syndrome 1 (LQT1). Identifiers: Orphanet 101016, Orphanet 768, MedGen C4551647, MONDO:0100316, OMIM 192500, MONDO:0008646.
Cardiac arrhythmia. Also called: Arrhythmia; Cardiac rhythm disease. Identifiers: MedGen C0003811, MONDO:0007263, HP:0011675.

Submissions (2):

Color Diagnostics, LLC DBA Color Health
Classification: Pathogenic for Cardiac arrhythmia. Last evaluated: 2018-12-04. Review status: criteria provided, single submitter. Criteria: ACMG Guidelines, 2015. Collection method: clinical testing. Allele origin: germline.
Comment: This variant inserts 1 nucleotide in exon 10 of the KCNQ1 gene, creating a frameshift and premature translation stop signal. This variant is expected to result in an absent or non-functional protein product. To our knowledge, functional assays have not been performed for this variant nor has this variant been reported in individuals affected with cardiovascular disorders in the literature. This variant has been identified in 1/245884 chromosomes in the general population by the Genome Aggregation Database (gnomAD). Loss of KCNQ1 function is a known mechanism of disease. Based on available evidence, this variant is classified as Pathogenic.

ClinVar Staff, National Center for Biotechnology Information (NCBI)
No classification provided. Condition: Long QT syndrome, LQT1 subtype. Review status: no classification provided. Collection method: literature only. Allele origin: germline. Affected: yes. Not counted in ClinVar's aggregate classification.

Literature cited by the submitters: PubMed 16414944 (cited by ClinVar Staff, National Center for Biotechnology Information (NCBI)).